The following is an entry in ClinVar:

ClinVar aggregate classification (germline): Benign. Review status: criteria provided, single submitter (1 of 4 stars). 2 submissions from 2 submitters: Benign (1). 1 of the submissions does not count toward it.

Allele frequency attached by ClinVar (database versions not stated): 1000 Genomes Project 0.05404; gnomAD exomes 0.01591 and 0.00549; ExAC 0.01953; gnomAD 0.05406 and 0.05067; 1000 Genomes Project 30x 0.05702; ESP Exome Variant Server 0.06475; TOPMed 0.05873.
gnomAD v4.1: 11,851 of 1,177,105 alleles (1%); highest among the groups gnomAD compares: African/African-American, 18%; 752 homozygotes.

Submissions (2):

Breakthrough Genomics
Classification: Benign. Review status: criteria provided, single submitter. Criteria: ACMG Guidelines, 2015. Collection method: not provided. Allele origin: germline. Inheritance: X-linked inheritance. Affected: yes.

Genetic Services Laboratory, University of Chicago
Classification: Likely benign for AllHighlyPenetrant. Review status: no assertion criteria provided. Collection method: clinical testing. Allele origin: germline. Inheritance: X-linked inheritance. Not counted in ClinVar's aggregate classification.
Comment: Likely benign based on allele frequency in 1000 Genomes Project or ESP global frequency and its presence in a patient with a rare or unrelated disease phenotype. NOT Sanger confirmed.

NM_001368397.1(FRMPD4):c.1470+9C>T

Gene: FRMPD4 (FERM and PDZ domain containing 4; plus strand). Cytogenetic location: Xp22.2.
Variant type: single nucleotide variant.
Coding change: c.1470+9C>T on transcript NM_001368397.1 (MANE Select); 9 bases into the intron after coding-DNA position 1470, C replaced by T.
Molecular consequence: intron variant.
Genome position (GRCh38, 1-based): chrX:12,707,660, C>T. VCF-style: chrX-12707660-C-T. GRCh37 (hg19) VCF-style: chrX-12725779-C-T.
Other names: c.1581+9C>T (NM_001368398.3, NM_001368395.3); c.1446+9C>T (NM_001368402.3, NM_001368401.1); c.1350+9C>T (NM_001368400.3); c.1461+9C>T (NM_001368399.3); c.1470+9C>T (NM_014728.3); c.1476+9C>T (NM_001368396.3).
Identifiers: ClinVar variation 129114 (VCV000129114.7), dbSNP rs7877197, ClinGen allele CA152910.